The following is an entry in ClinVar:

ClinVar aggregate classification (germline): Pathogenic. Review status: criteria provided, multiple submitters, no conflicts (2 of 4 stars). 6 submissions from 6 submitters: Pathogenic (5). 1 of the submissions does not count toward it. Last evaluated 2025-06-12.

Conditions:
Autosomal recessive nonsyndromic hearing loss 28. Identifiers: Orphanet 90636, MedGen C1853276, MONDO:0012355, OMIM 609823.

Allele frequency attached by ClinVar (database versions not stated): gnomAD exomes below 0.00001; gnomAD 0.00001.
gnomAD v4.1: 2 of 1,613,410 alleles (0.00012%); highest among the groups gnomAD compares: Non-Finnish European, 0.00017%; no homozygotes.

Submissions (6):

Labcorp Genetics (formerly Invitae), Labcorp
Classification: Pathogenic. Last evaluated: 2025-06-12. Review status: criteria provided, single submitter. Criteria: Invitae Variant Classification Sherloc (09022015). Collection method: clinical testing. Allele origin: germline.
Comment: This sequence change creates a premature translational stop signal (p.Arg1117*) in the TRIOBP gene. It is expected to result in an absent or disrupted protein product. Loss-of-function variants in TRIOBP are known to be pathogenic (PMID: 16385457, 16385458, 20510926). This variant is present in population databases (rs118204031, gnomAD 0.007%). This premature translational stop signal has been observed in individual(s) with deafness (PMID: 16385457). ClinVar contains an entry for this variant (Variation ID: 1495). For these reasons, this variant has been classified as Pathogenic.

GeneDx
Classification: Pathogenic. Last evaluated: 2022-05-16. Review status: criteria provided, single submitter. Criteria: GeneDx Variant Classification Process June 2021. Collection method: clinical testing. Allele origin: germline. Affected: yes.
Comment: Nonsense variant predicted to result in protein truncation or nonsense mediated decay in a gene for which loss of function is a known mechanism of disease; Not observed at significant frequency in large population cohorts (gnomAD); This variant is associated with the following publications: (PMID: 25525159, 34868251, 27014650, 29197352, 16385457)

3billion
Classification: Pathogenic for Autosomal recessive nonsyndromic hearing loss 28. Last evaluated: 2022-01-03. Review status: criteria provided, single submitter. Criteria: ACMG Guidelines, 2015. Collection method: clinical testing. Allele origin: germline. Affected: yes. Observed: 1 homozygote.
Comment: Stop-gained (nonsense): predicted to result in a loss or disruption of normal protein function through nonsense-mediated decay (NMD) or protein truncation. Multiple pathogenic variants are reported downstream of the variant (PVS1_VS).The variant has been reported to be associated with TRIOBP related disorder (ClinVar ID: VCV000001495, PMID:16385457). It is observed at an extremely low frequency in the gnomAD v2.1.1 dataset (total allele frequency: 0.000032, PM2_M). Therefore, this variant is classified as pathogenic according to the recommendation of ACMG/AMP guideline.

Fulgent Genetics
Classification: Pathogenic for Autosomal recessive nonsyndromic hearing loss 28. Last evaluated: 2021-12-12. Review status: criteria provided, single submitter. Criteria: ACMG Guidelines, 2015. Collection method: clinical testing. Allele origin: unknown.

Juno Genomics, Hangzhou Juno Genomics, Inc
Classification: Pathogenic for Autosomal recessive nonsyndromic hearing loss 28. Review status: criteria provided, single submitter. Criteria: ACMG Guidelines, 2015. Collection method: clinical testing. Allele origin: germline.
Comment: Absent from controls (or at extremely low frequency if recessive) in Genome Aggregation Database.;Null variant in a gene where loss of function (LOF) is a known mechanism of disease.;For recessive disorders, detected in trans with a pathogenic variant.

OMIM
Classification: Pathogenic for DEAFNESS, AUTOSOMAL RECESSIVE 28. Last evaluated: 2006-01-01. Review status: no assertion criteria provided. Collection method: literature only. Allele origin: germline. Not counted in ClinVar's aggregate classification.

Literature cited by the submitters: PubMed 16385457 (cited by 3 submitters); PubMed 16385458 (cited by Labcorp Genetics (formerly Invitae), Labcorp); PubMed 20510926 (cited by Labcorp Genetics (formerly Invitae), Labcorp).

NM_001039141.3(TRIOBP):c.3349C>T (p.Arg1117Ter)

Gene: TRIOBP (TRIO and F-actin binding protein; plus strand). Cytogenetic location: 22q13.1.
Variant type: single nucleotide variant.
Coding change: c.3349C>T on transcript NM_001039141.3 (MANE Select); coding-DNA position 3349, C replaced by T.
Protein change: p.Arg1117Ter; replaces arginine 1117 with a stop codon.
Molecular consequence: nonsense.
Genome position (GRCh38, 1-based): chr22:37,725,905, C>T. VCF-style: chr22-37725905-C-T. GRCh37 (hg19) VCF-style: chr22-38121912-C-T.
Other names: c.3349C>T (NM_001039141.2); short protein forms R1117*.
Identifiers: ClinVar variation 1495 (VCV000001495.8), dbSNP rs118204031, ClinGen allele CA251858.